The following is an entry in ClinVar:

NM_000264.5(PTCH1):c.163T>C (p.Tyr55His)

Gene: PTCH1 (patched 1; minus strand). Cytogenetic location: 9q22.32.
Variant type: single nucleotide variant.
Coding change: c.163T>C on transcript NM_000264.5 (MANE Select); coding-DNA position 163, T replaced by C.
Protein change: p.Tyr55His; replaces tyrosine 55 with histidine.
Molecular consequence: missense variant. On other transcripts: non-coding transcript variant (1), intron variant (3).
Genome position (GRCh38, 1-based): chr9:95,508,199, A>G on the plus strand (T>C on the coding strand, the complement: PTCH1 is on the minus strand). VCF-style: chr9-95508199-A-G. GRCh37 (hg19) VCF-style: chr9-98270481-A-G.
Other names: c.163T>C (NM_000264.3); c.163T>C, p.Tyr55His (NM_001354918.2); c.199-1600T>C (NM_001083603.3); c.4-1600T>C (NM_001083602.3, NM_001354919.2); short protein forms Y55H.
Identifiers: ClinVar variation 1025946 (VCV001025946.10), dbSNP rs1843889465, ClinGen allele CA374121322.
Genomic context (GRCh38, chr9:95,508,199, plus strand): 5'-GAGGAGAGAGTCTGAAATGCACCTTGGAAATCTGCTCCAGAGCGAAGGCGGCGTCGCAGT[A>G]GCTGGGCCGGTGCAGATAGTCCCGGTCCGGCGCGGCAGCACGGCGCAGCCCCCCCGTCCG-3'
Protein context (NP_000255.2, residues 45-65): PDRDYLHRPS[Tyr55His]CDAAFALEQI

ClinVar aggregate classification (germline): Uncertain significance. Review status: criteria provided, multiple submitters, no conflicts (2 of 4 stars). 2 submissions from 2 submitters: Uncertain significance (2). Last evaluated 2026-01-27.

Conditions:
Hereditary cancer-predisposing syndrome. Also called: Hereditary Cancer Syndrome; Neoplastic Syndromes, Hereditary; Tumor predisposition; Hereditary neoplastic syndrome. Identifiers: Orphanet 140162, MedGen C0027672, MeSH D009386, MONDO:0015356.
Gorlin syndrome. Also called: Basal cell nevus syndrome; Nevoid Basal Cell Carcinoma Syndrome. Identifiers: Orphanet 377, MedGen C0004779, MONDO:0007187.

Submissions (2):

Ambry Genetics
Classification: Uncertain significance for Hereditary cancer-predisposing syndrome. Last evaluated: 2026-01-27. Review status: criteria provided, single submitter. Criteria: Ambry Variant Classification Scheme 2023. Collection method: clinical testing. Allele origin: germline.
Comment: The p.Y55H variant (also known as c.163T>C), located in coding exon 1 of the PTCH1 gene, results from a T to C substitution at nucleotide position 163. The tyrosine at codon 55 is replaced by histidine, an amino acid with similar properties. This amino acid position is highly conserved in available vertebrate species. In addition, the in silico prediction for this alteration is inconclusive. Based on the available evidence, the clinical significance of this variant remains unclear.

Labcorp Genetics (formerly Invitae), Labcorp
Classification: Uncertain significance for Gorlin syndrome. Last evaluated: 2025-03-23. Review status: criteria provided, single submitter. Criteria: Invitae Variant Classification Sherloc (09022015). Collection method: clinical testing. Allele origin: germline.
Comment: This sequence change replaces tyrosine, which is neutral and polar, with histidine, which is basic and polar, at codon 55 of the PTCH1 protein (p.Tyr55His). This variant is not present in population databases (gnomAD no frequency). This variant has not been reported in the literature in individuals affected with PTCH1-related conditions. ClinVar contains an entry for this variant (Variation ID: 1025946). Invitae Evidence Modeling of protein sequence and biophysical properties (such as structural, functional, and spatial information, amino acid conservation, physicochemical variation, residue mobility, and thermodynamic stability) has been performed for this missense variant. However, the output from this modeling did not meet the statistical confidence thresholds required to predict the impact of this variant on PTCH1 protein function. In summary, the available evidence is currently insufficient to determine the role of this variant in disease. Therefore, it has been classified as a Variant of Uncertain Significance.